The following is an entry in ClinVar:

ClinVar aggregate classification (germline): Uncertain significance (1 of 4 stars; one submission).

Submission:

Labcorp Genetics (formerly Invitae), Labcorp
Classification: Uncertain significance. Last evaluated: 2024-04-10. Review status: criteria provided, single submitter. Criteria: Invitae Variant Classification Sherloc (09022015). Collection method: clinical testing. Allele origin: germline.
Comment: This sequence change creates a premature translational stop signal (p.Gln1225*) in the ERBB2 gene. While this is not anticipated to result in nonsense mediated decay, it is expected to disrupt the last 31 amino acid(s) of the ERBB2 protein. This variant is not present in population databases (gnomAD no frequency). This variant has not been reported in the literature in individuals affected with ERBB2-related conditions. ClinVar contains an entry for this variant (Variation ID: 2099932). Experimental studies and prediction algorithms are not available or were not evaluated, and the functional significance of this variant is currently unknown. In summary, the available evidence is currently insufficient to determine the role of this variant in disease. Therefore, it has been classified as a Variant of Uncertain Significance.

NM_004448.4(ERBB2):c.3673C>T (p.Gln1225Ter)

Gene: ERBB2 (erb-b2 receptor tyrosine kinase 2; plus strand). Cytogenetic location: 17q12.
Variant type: single nucleotide variant.
Coding change: c.3673C>T on transcript NM_004448.4 (MANE Select); coding-DNA position 3673, C replaced by T.
Protein change: p.Gln1225Ter; replaces glutamine 1225 with a stop codon.
Molecular consequence: nonsense. On other transcripts: 3 prime UTR variant (2), non-coding transcript variant (1).
Genome position (GRCh38, 1-based): chr17:39,727,949, C>T. VCF-style: chr17-39727949-C-T. GRCh37 (hg19) VCF-style: chr17-37884202-C-T.
Other names: c.3694C>T, p.Gln1232Ter (NM_001382789.1); c.3670C>T, p.Gln1224Ter (NM_001382790.1); c.3664C>T, p.Gln1222Ter (NM_001382791.1); c.3637C>T, p.Gln1213Ter (NM_001382792.1); c.3631C>T, p.Gln1211Ter (NM_001382793.1, NM_001382794.1); c.3625C>T, p.Gln1209Ter (NM_001382795.1); c.3586C>T, p.Gln1196Ter (NM_001382796.1); c.3574C>T, p.Gln1192Ter (NM_001382797.1); and 16 more; short protein forms Q1165*, Q1209*, Q1213*, Q1250*, Q1173*, Q1192*, Q1210*, Q1224*.
Identifiers: ClinVar variation 2099932 (VCV002099932.4), dbSNP rs2143313841, ClinGen allele CA399314455.